The following is an entry in ClinVar:

ClinVar aggregate classification (germline): Uncertain significance (1 of 4 stars; one submission).

Conditions:
Inborn genetic diseases. Identifiers: MedGen C0950123, MeSH D030342.

Submission:

Ambry Genetics
Classification: Uncertain significance for Inborn genetic diseases. Last evaluated: 2025-03-19. Review status: criteria provided, single submitter. Criteria: Ambry Variant Classification Scheme 2023. Collection method: clinical testing. Allele origin: germline.
Comment: The p.G223V variant (also known as c.668G>T), located in coding exon 1 of the CEBPA gene, results from a G to T substitution at nucleotide position 668. The glycine at codon 223 is replaced by valine, an amino acid with dissimilar properties. This amino acid position is conserved. In addition, this alteration is predicted to be tolerated by in silico analysis. Based on the available evidence, the clinical significance of this variant remains unclear.

NM_004364.5(CEBPA):c.668G>T (p.Gly223Val)

Gene: CEBPA (CCAAT enhancer binding protein alpha; minus strand). Cytogenetic location: 19q13.11.
Variant type: single nucleotide variant.
Coding change: c.668G>T on transcript NM_004364.5 (MANE Select); coding-DNA position 668, G replaced by T.
Protein change: p.Gly223Val; replaces glycine 223 with valine.
Molecular consequence: missense variant.
Genome position (GRCh38, 1-based): chr19:33,301,747, C>A on the plus strand (G>T on the coding strand, the complement: CEBPA is on the minus strand). VCF-style: chr19-33301747-C-A. GRCh37 (hg19) VCF-style: chr19-33792653-C-A.
Other names: c.311G>T, p.Gly104Val (NM_001285829.2); c.773G>T, p.Gly258Val (NM_001287424.2); c.626G>T, p.Gly209Val (NM_001287435.2); short protein forms G209V, G104V, G223V, G258V.
Identifiers: ClinVar variation 3999974 (VCV003999974.1).
Genomic context (GRCh38, chr19:33,301,747, plus strand): 5'-GCACCGAGCGCGGGCGCGGGGTGCGGGCTGGGCACGGGCGTGGGCGGCGGCGTGGGGTGA[C>A]CGGGCTGCAGGTGCATGGTGGTCTGGCCGCAGTGCGCGATCTGGAACTGCAGGTGCGGGG-3'
Protein context (NP_004355.2, residues 213-233): CGQTTMHLQP[Gly223Val]HPTPPPTPVP